The following is an entry in ClinVar:

NM_152305.3(POGLUT1):c.641C>G (p.Thr214Arg)

Gene: POGLUT1 (protein O-glucosyltransferase 1; plus strand). Cytogenetic location: 3q13.33.
Variant type: single nucleotide variant.
Coding change: c.641C>G on transcript NM_152305.3 (MANE Select); coding-DNA position 641, C replaced by G.
Protein change: p.Thr214Arg; replaces threonine 214 with arginine.
Molecular consequence: missense variant. On other transcripts: non-coding transcript variant (1).
Genome position (GRCh38, 1-based): chr3:119,486,835, C>G. VCF-style: chr3-119486835-C-G. GRCh37 (hg19) VCF-style: chr3-119205682-C-G.
Other names: short protein forms T214R.
Identifiers: ClinVar variation 4140897 (VCV004140897.2).

ClinVar aggregate classification (germline): Uncertain significance. Review status: criteria provided, multiple submitters, no conflicts (2 of 4 stars). 2 submissions from 2 submitters: Uncertain significance (2). Last evaluated 2025-08-29.

Conditions:
Inborn genetic diseases. Identifiers: MedGen C0950123, MeSH D030342.

gnomAD v4.1: 4 of 1,605,548 alleles (0.00025%); highest among the groups gnomAD compares: Non-Finnish European, 0.00034%; no homozygotes.

Submissions (2):

Ambry Genetics
Classification: Uncertain significance for Inborn genetic diseases. Last evaluated: 2025-08-29. Review status: criteria provided, single submitter. Criteria: Ambry Variant Classification Scheme 2023. Collection method: clinical testing. Allele origin: germline.

Labcorp Genetics (formerly Invitae), Labcorp
Classification: Uncertain significance. Last evaluated: 2025-07-21. Review status: criteria provided, single submitter. Criteria: Invitae Variant Classification Sherloc (09022015). Collection method: clinical testing. Allele origin: germline.
Comment: This sequence change replaces threonine, which is neutral and polar, with arginine, which is basic and polar, at codon 214 of the POGLUT1 protein (p.Thr214Arg). This variant is not present in population databases (gnomAD no frequency). This variant has not been reported in the literature in individuals affected with POGLUT1-related conditions. An algorithm developed to predict the effect of missense changes on protein structure and function (PolyPhen-2) suggests that this variant is likely to be disruptive. In summary, the available evidence is currently insufficient to determine the role of this variant in disease. Therefore, it has been classified as a Variant of Uncertain Significance.